The following is an entry in ClinVar:

ClinVar aggregate classification (germline): Uncertain significance (1 of 4 stars; one submission).

Conditions:
Charcot-Marie-Tooth disease dominant intermediate C (CMTDIC). Also called: CHARCOT-MARIE-TOOTH NEUROPATHY, DOMINANT INTERMEDIATE C. Identifiers: Orphanet 100045, MedGen C1842237, MONDO:0012012, OMIM 608323.

Allele frequency attached by ClinVar (database versions not stated): gnomAD exomes below 0.00001; gnomAD 0.00001; TOPMed 0.00001.
gnomAD v4.1: 8 of 1,614,056 alleles (0.0005%); highest among the groups gnomAD compares: Middle Eastern, 0.016%; no homozygotes.

Submission:

Labcorp Genetics (formerly Invitae), Labcorp
Classification: Uncertain significance for Charcot-Marie-Tooth disease dominant intermediate C. Last evaluated: 2023-08-08. Review status: criteria provided, single submitter. Criteria: Invitae Variant Classification Sherloc (09022015). Collection method: clinical testing. Allele origin: germline.
Comment: In summary, the available evidence is currently insufficient to determine the role of this variant in disease. Therefore, it has been classified as a Variant of Uncertain Significance. Advanced modeling of protein sequence and biophysical properties (such as structural, functional, and spatial information, amino acid conservation, physicochemical variation, residue mobility, and thermodynamic stability) performed at Invitae indicates that this missense variant is not expected to disrupt YARS protein function. This variant has not been reported in the literature in individuals affected with YARS-related conditions. This variant is not present in population databases (gnomAD no frequency). This sequence change replaces aspartic acid, which is acidic and polar, with asparagine, which is neutral and polar, at codon 417 of the YARS protein (p.Asp417Asn).

NM_003680.4(YARS1):c.1249G>A (p.Asp417Asn)

Gene: YARS1 (tyrosyl-tRNA synthetase 1; minus strand). Cytogenetic location: 1p35.1.
Variant type: single nucleotide variant.
Coding change: c.1249G>A on transcript NM_003680.4 (MANE Select); coding-DNA position 1249, G replaced by A.
Protein change: p.Asp417Asn; replaces aspartic acid 417 with asparagine.
Molecular consequence: missense variant.
Genome position (GRCh38, 1-based): chr1:32,780,170, C>T on the plus strand (G>A on the coding strand, the complement: YARS1 is on the minus strand). VCF-style: chr1-32780170-C-T. GRCh37 (hg19) VCF-style: chr1-33245771-C-T.
Other names: short protein forms D417N.
Identifiers: ClinVar variation 2984807 (VCV002984807.3), dbSNP rs1653005296, ClinGen allele CA339681521.